The following is an entry in ClinVar:

ClinVar aggregate classification (germline): Likely benign. Review status: criteria provided, multiple submitters, no conflicts (2 of 4 stars). 4 submissions from 4 submitters: Likely benign (4). Last evaluated 2026-02-01.

Conditions:
Glycogen storage disease, type II (IOPD). Also called: GLYCOGENOSIS, GENERALIZED, CARDIAC FORM; GSD II; Glucosidase acid-1,4-alpha deficiency; POMPE DISEASE, INFANTILE-ONSET; GLYCOGEN STORAGE DISEASE II, INFANTILE-ONSET; ACID ALPHA-GLUCOSIDASE DEFICIENCY, INFANTILE-ONSET. Identifiers: Orphanet 365, MedGen C0017921, MONDO:0009290, OMIM 232300.
Cardiovascular phenotype. Identifiers: MedGen CN230736.

Allele frequency attached by ClinVar (database versions not stated): ExAC 0.00001; gnomAD 0.00001; gnomAD exomes 0.00001; TOPMed 0.00001; ESP Exome Variant Server 0.00008.
gnomAD v4.1: 36 of 1,613,968 alleles (0.0022%); highest among the groups gnomAD compares: Admixed American, 0.0033%; 1 homozygote.

Submissions (4):

Labcorp Genetics (formerly Invitae), Labcorp
Classification: Likely benign for Glycogen storage disease, type II. Last evaluated: 2026-02-01. Review status: criteria provided, single submitter. Criteria: Invitae Variant Classification Sherloc (09022015). Collection method: clinical testing. Allele origin: germline.

Mayo Clinic Laboratories, Mayo Clinic
Classification: Likely benign. Last evaluated: 2025-10-17. Review status: criteria provided, single submitter. Criteria: ACMG Guidelines, 2015. Collection method: clinical testing. Allele origin: germline. Observed: 1 variant allele.
Comment: BP4, BP7

Ambry Genetics
Classification: Likely benign for Cardiovascular phenotype. Last evaluated: 2025-03-23. Review status: criteria provided, single submitter. Criteria: Ambry Variant Classification Scheme 2023. Collection method: clinical testing. Allele origin: germline.

Blueprint Genetics
Classification: Likely benign. Last evaluated: 2019-11-20. Review status: criteria provided, single submitter. Criteria: ACMG Guidelines, 2015. Collection method: clinical testing. Allele origin: germline.

NM_000152.5(GAA):c.1539C>T (p.Asp513=)

Gene: GAA (alpha glucosidase; plus strand). Cytogenetic location: 17q25.3.
Variant type: single nucleotide variant.
Coding change: c.1539C>T on transcript NM_000152.5 (MANE Select); coding-DNA position 1539, C replaced by T.
Protein change: p.Asp513=; no amino-acid change (aspartic acid 513 retained).
Molecular consequence: synonymous variant.
Genome position (GRCh38, 1-based): chr17:80,110,828, C>T. VCF-style: chr17-80110828-C-T. GRCh37 (hg19) VCF-style: chr17-78084627-C-T.
Other names: p.Asp513=; c.1539C>T (NM_000152.3); c.1539C>T, p.Asp513= (NM_001079803.3, NM_001079804.3).
Identifiers: ClinVar variation 1101039 (VCV001101039.12), dbSNP rs150990571, ClinGen allele CA8815362.